The following is an entry in ClinVar:

ClinVar aggregate classification (germline): Pathogenic (1 of 4 stars; one submission).

Conditions:
Erythrocytosis, familial, 3 (ECYT3). Identifiers: Orphanet 247511, MedGen C1853286, MONDO:0012353, OMIM 609820.

Submission:

Labcorp Genetics (formerly Invitae), Labcorp
Classification: Pathogenic for Erythrocytosis, familial, 3. Last evaluated: 2025-12-23. Review status: criteria provided, single submitter. Criteria: Invitae Variant Classification Sherloc (09022015). Collection method: clinical testing. Allele origin: germline.
Comment: This sequence change creates a premature translational stop signal (p.Gly349Ilefs*14) in the EGLN1 gene. It is expected to result in an absent or disrupted protein product. Loss-of-function variants in EGLN1 are known to be pathogenic (PMID: 17933562, 21933857). This variant is not present in population databases (gnomAD no frequency). This variant has not been reported in the literature in individuals affected with EGLN1-related conditions. For these reasons, this variant has been classified as Pathogenic.

Literature cited by the submitters: PubMed 17933562; PubMed 21933857.

NM_022051.3(EGLN1):c.1044_1045insATTTTCCAGAAAATTTCCAGAA (p.Gly349fs)

Gene: EGLN1 (egl-9 family hypoxia inducible factor 1; minus strand). Cytogenetic location: 1q42.2.
Variant type: Insertion.
Coding change: c.1044_1045insATTTTCCAGAAAATTTCCAGAA on transcript NM_022051.3 (MANE Select); coding-DNA positions 1044 to 1045, ATTTTCCAGAAAATTTCCAGAA inserted.
Protein change: p.Gly349fs; shifts the reading frame from glycine 349.
Molecular consequence: frameshift variant. On other transcripts: intron variant (1).
Genome position: GRCh38 VCF-style: chr1-231370665-C-CTTCTGGAAATTTTCTGGAAAAT. GRCh37 (hg19) VCF-style: chr1-231506411-C-CTTCTGGAAATTTTCTGGAAAAT.
Other names: c.1012-3030_1012-3029insTTTCCAGAAATTTTCCAGAAAA (NM_001377261.1); c.1044_1045insATTTTCCAGAAAATTTCCAGAA, p.Gly349fs (NM_001377260.1); short protein forms G349fs.
Identifiers: ClinVar variation 4733674 (VCV004733674.1).